The following is an entry in ClinVar:

ClinVar aggregate classification (germline): Uncertain significance (1 of 4 stars; one submission).

Submission:

Labcorp Genetics (formerly Invitae), Labcorp
Classification: Uncertain significance. Last evaluated: 2021-06-19. Review status: criteria provided, single submitter. Criteria: Invitae Variant Classification Sherloc (09022015). Collection method: clinical testing. Allele origin: germline.
Comment: In summary, the available evidence is currently insufficient to determine the role of this variant in disease. Therefore, it has been classified as a Variant of Uncertain Significance. Experimental studies and prediction algorithms are not available or were not evaluated, and the functional significance of this variant is currently unknown. This variant has not been reported in the literature in individuals with TOPORS-related conditions. This variant is not present in population databases (ExAC no frequency). This sequence change creates a premature translational stop signal (p.Leu1008Profs*4) in the TOPORS gene. While this is not anticipated to result in nonsense mediated decay, it is expected to disrupt the last 38 amino acid(s) of the TOPORS protein.

NM_005802.5(TOPORS):c.3022_3029del (p.Leu1008fs)

Gene: TOPORS (TOP1 binding arginine/serine rich protein, E3 ubiquitin ligase; minus strand). Cytogenetic location: 9p21.1.
Variant type: Deletion.
Coding change: c.3022_3029del on transcript NM_005802.5 (MANE Select); coding-DNA positions 3022 to 3029, 8 bases deleted (TTGGAGAA; older notation c.3022_3029delTTGGAGAA).
Protein change: p.Leu1008fs; shifts the reading frame from leucine 1008.
Molecular consequence: frameshift variant.
Genome position (GRCh38, 1-based): chr9:32,541,496-32,541,503, TTCTCCAA deleted on the plus strand (TTGGAGAA on the coding strand, the reverse complement: TOPORS is on the minus strand). VCF-style (leftmost placement, unchanged base first): chr9-32541495-GTTCTCCAA-G. GRCh37 (hg19) VCF-style: chr9-32541493-GTTCTCCAA-G.
Other names: c.2827_2834del, p.Leu943fs (NM_001195622.2); short protein forms L1008fs, L943fs.
Identifiers: ClinVar variation 1514369 (VCV001514369.6), dbSNP rs2118964080, ClinGen allele CA2573144632.
Genomic context (GRCh38, chr9:32,541,495, plus strand): 5'-CCGTGGCGATGGCAATTGCCTTGATGGCTCAGTTTGAAGAGACACAATGTTACTGGGCTG[GTTCTCCAA>G]ATCAGAAACAAAGGTGCTCTCTTCTCTTACATCGAGAGTTTGTTCAACTGAAGCTGCCAG-3'